The following is an entry in ClinVar:

NM_000038.6(APC):c.1977C>A (p.Asn659Lys)

Gene: APC (APC regulator of Wnt signaling pathway; plus strand). Cytogenetic location: 5q22.2.
Variant type: single nucleotide variant.
Coding change: c.1977C>A on transcript NM_000038.6 (MANE Select); coding-DNA position 1977, C replaced by A.
Protein change: p.Asn659Lys; replaces asparagine 659 with lysine.
Molecular consequence: missense variant.
Genome position (GRCh38, 1-based): chr5:112,837,571, C>A. VCF-style: chr5-112837571-C-A. GRCh37 (hg19) VCF-style: chr5-112173268-C-A.
Other names: c.1977C>A, p.Asn659Lys (NM_001127510.3, NM_001354895.2); c.1923C>A, p.Asn641Lys (NM_001127511.3); c.2031C>A, p.Asn677Lys (NM_001354896.2); c.2007C>A, p.Asn669Lys (NM_001354897.2); c.1902C>A, p.Asn634Lys (NM_001354898.2); c.1893C>A, p.Asn631Lys (NM_001354899.2); c.1854C>A, p.Asn618Lys (NM_001354900.2); c.1800C>A, p.Asn600Lys (NM_001354901.2); and 5 more; short protein forms N641K, N659K, N618K, N631K, N634K, N669K, N376K, N533K.
Identifiers: ClinVar variation 630806 (VCV000630806.12), dbSNP rs1561574172, ClinGen allele CA16025636.

ClinVar aggregate classification (germline): Uncertain significance. Review status: criteria provided, multiple submitters, no conflicts (2 of 4 stars). 4 submissions from 4 submitters: Uncertain significance (4). Last evaluated 2023-12-08.

Conditions:
Hereditary cancer-predisposing syndrome. Also called: Tumor predisposition; Neoplastic Syndromes, Hereditary; Hereditary neoplastic syndrome; Hereditary Cancer Syndrome. Identifiers: Orphanet 140162, MedGen C0027672, MeSH D009386, MONDO:0015356.
Familial adenomatous polyposis 1 (FAP1). Also called: POLYPOSIS, ADENOMATOUS INTESTINAL; FAMILIAL ADENOMATOUS POLYPOSIS 1, ATTENUATED. Identifiers: MedGen C2713442, MONDO:0021056, OMIM 175100. Disease mechanism: loss of function.

Submissions (4):

Labcorp Genetics (formerly Invitae), Labcorp
Classification: Uncertain significance for Familial adenomatous polyposis 1. Last evaluated: 2023-12-08. Review status: criteria provided, single submitter. Criteria: Invitae Variant Classification Sherloc (09022015). Collection method: clinical testing. Allele origin: germline.
Comment: This sequence change replaces asparagine, which is neutral and polar, with lysine, which is basic and polar, at codon 659 of the APC protein (p.Asn659Lys). This variant is not present in population databases (gnomAD no frequency). This variant has not been reported in the literature in individuals affected with APC-related conditions. ClinVar contains an entry for this variant (Variation ID: 630806). Advanced modeling of protein sequence and biophysical properties (such as structural, functional, and spatial information, amino acid conservation, physicochemical variation, residue mobility, and thermodynamic stability) performed at Invitae indicates that this missense variant is not expected to disrupt APC protein function with a negative predictive value of 95%. In summary, the available evidence is currently insufficient to determine the role of this variant in disease. Therefore, it has been classified as a Variant of Uncertain Significance.

Color Diagnostics, LLC DBA Color Health
Classification: Uncertain significance for Hereditary cancer-predisposing syndrome. Last evaluated: 2023-12-05. Review status: criteria provided, single submitter. Criteria: ACMG Guidelines, 2015. Collection method: clinical testing. Allele origin: germline.
Comment: This missense variant replaces asparagine with lysine at codon 659 of the APC protein. Computational prediction suggests that this variant may not impact protein structure and function (internally defined REVEL score threshold <= 0.5, PMID: 27666373). To our knowledge, functional studies have not been reported for this variant. This variant has not been reported in individuals affected with APC-related disorders in the literature. This variant has not been identified in the general population by the Genome Aggregation Database (gnomAD). The available evidence is insufficient to determine the role of this variant in disease conclusively. Therefore, this variant is classified as a Variant of Uncertain Significance.

Ambry Genetics
Classification: Uncertain significance for Hereditary cancer-predisposing syndrome. Last evaluated: 2023-09-07. Review status: criteria provided, single submitter. Criteria: Ambry Variant Classification Scheme 2023. Collection method: clinical testing. Allele origin: germline.
Comment: The p.N659K variant (also known as c.1977C>A), located in coding exon 15 of the APC gene, results from a C to A substitution at nucleotide position 1977. The asparagine at codon 659 is replaced by lysine, an amino acid with similar properties. This amino acid position is conserved. In addition, in silico predictors for this gene do not accurately predict pathogenicity. Since supporting evidence is limited at this time, the clinical significance of this alteration remains unclear.

Women's Health and Genetics/Laboratory Corporation of America, LabCorp
Classification: Uncertain significance. Last evaluated: 2023-03-10. Review status: criteria provided, single submitter. Criteria: LabCorp Variant Classification Summary - May 2015. Collection method: clinical testing. Allele origin: germline.